The following is an entry in ClinVar:

ClinVar aggregate classification (germline): Likely benign. Review status: criteria provided, multiple submitters, no conflicts (2 of 4 stars). 3 submissions from 3 submitters: Likely benign (3). Last evaluated 2025-11-11.

Allele frequency attached by ClinVar (database versions not stated): gnomAD exomes 0.00018 and 0.00062; gnomAD 0.00029 and 0.00037; TOPMed 0.00047; ExAC 0.00059; 1000 Genomes Project 0.00240; 1000 Genomes Project 30x 0.00250.

Submissions (3):

Labcorp Genetics (formerly Invitae), Labcorp
Classification: Likely benign. Last evaluated: 2025-11-11. Review status: criteria provided, single submitter. Criteria: Invitae Variant Classification Sherloc (09022015). Collection method: clinical testing. Allele origin: germline.

Mayo Clinic Laboratories, Mayo Clinic
Classification: Likely benign. Last evaluated: 2024-12-17. Review status: criteria provided, single submitter. Criteria: ACMG Guidelines, 2015. Collection method: clinical testing. Allele origin: germline. Observed: 1 variant allele.
Comment: BS1, BP4_moderate

Blueprint Genetics
Classification: Likely benign. Last evaluated: 2024-11-20. Review status: criteria provided, single submitter. Criteria: ACMG Guidelines, 2015. Collection method: clinical testing. Allele origin: germline.

NM_000398.7(CYB5R3):c.31A>G (p.Met11Val)

Gene: CYB5R3 (cytochrome b5 reductase 3; minus strand). Cytogenetic location: 22q13.2.
Variant type: single nucleotide variant.
Coding change: c.31A>G on transcript NM_000398.7 (MANE Select); coding-DNA position 31, A replaced by G.
Protein change: p.Met11Val; replaces methionine 11 with valine.
Molecular consequence: missense variant. On other transcripts: 5 prime UTR variant (3).
Genome position (GRCh38, 1-based): chr22:42,636,837, T>C on the plus strand (A>G on the coding strand, the complement: CYB5R3 is on the minus strand). VCF-style: chr22-42636837-T-C. GRCh37 (hg19) VCF-style: chr22-43032843-T-C.
Other names: p.Met11Val; c.-39A>G (NM_001129819.2, NM_001171661.1, NM_007326.4); c.130A>G, p.Met44Val (NM_001171660.2); short protein forms M11V, M44V.
Identifiers: ClinVar variation 722522 (VCV000722522.12), dbSNP rs147001900, ClinGen allele CA10269937.